The following is an entry in ClinVar:

NM_001205293.3(CACNA1E):c.110C>G (p.Ala37Gly)

Gene: CACNA1E (calcium voltage-gated channel subunit alpha1 E; plus strand). Cytogenetic location: 1q25.3.
Variant type: single nucleotide variant.
Coding change: c.110C>G on transcript NM_001205293.3 (MANE Select); coding-DNA position 110, C replaced by G.
Protein change: p.Ala37Gly; replaces alanine 37 with glycine.
Molecular consequence: missense variant.
Genome position (GRCh38, 1-based): chr1:181,483,854, C>G. VCF-style: chr1-181483854-C-G. GRCh37 (hg19) VCF-style: chr1-181452990-C-G.
Other names: c.110C>G, p.Ala37Gly (NM_000721.4, NM_001205294.2); short protein forms A37G.
Identifiers: ClinVar variation 3377660 (VCV003377660.1).

ClinVar aggregate classification (germline): Uncertain significance (1 of 4 stars; one submission).

Conditions:
Developmental and epileptic encephalopathy, 69. Also called: EPILEPTIC ENCEPHALOPATHY, EARLY INFANTILE, 69. Identifiers: MedGen C4748988, MONDO:0032657, OMIM 618285.

Submission:

Neuberg Centre For Genomic Medicine, NCGM
Classification: Uncertain significance for Developmental and epileptic encephalopathy, 69. Last evaluated: 2023-06-22. Review status: criteria provided, single submitter. Criteria: ACMG Guidelines, 2015. Collection method: clinical testing. Allele origin: germline. Inheritance: Autosomal dominant inheritance. Affected: yes.
Comment: The observed missense c.110C>G(p.Ala37Gly) variant in CACNA1E gene has not been reported previously as a pathogenic variant nor as a benign variant, to our knowledge. This variant is absent in gnomAD Exomes. The amino acid Ala at position 37 is changed to a Gly changing protein sequence and it might alter its composition and physico-chemical properties. The amino acid change p.Ala37Gly in CACNA1E is predicted as conserved by GERP++ and PhyloP across 100 vertebrates. Computational evidence (Polyphen - Possibly Damaging, SIFT - Tolerated, and MutationTaster - Disease causing) predicts conflicting evidence on protein structure and function for this variant. For these reasons, this variant has been classified as Uncertain Significance.